The following is an entry in ClinVar:

ClinVar aggregate classification (germline): Uncertain significance (1 of 4 stars; one submission).

Submission:

Labcorp Genetics (formerly Invitae), Labcorp
Classification: Uncertain significance. Last evaluated: 2024-09-05. Review status: criteria provided, single submitter. Criteria: Invitae Variant Classification Sherloc (09022015). Collection method: clinical testing. Allele origin: germline.
Comment: This sequence change replaces alanine, which is neutral and non-polar, with serine, which is neutral and polar, at codon 280 of the NSMCE3 protein (p.Ala280Ser). This variant is not present in population databases (gnomAD no frequency). This variant has not been reported in the literature in individuals affected with NSMCE3-related conditions. ClinVar contains an entry for this variant (Variation ID: 2077518). Invitae Evidence Modeling of protein sequence and biophysical properties (such as structural, functional, and spatial information, amino acid conservation, physicochemical variation, residue mobility, and thermodynamic stability) indicates that this missense variant is not expected to disrupt NSMCE3 protein function with a negative predictive value of 80%. In summary, the available evidence is currently insufficient to determine the role of this variant in disease. Therefore, it has been classified as a Variant of Uncertain Significance.

NM_138704.4(NSMCE3):c.838G>T (p.Ala280Ser)

Genes: ENTREP2 (endosomal transmembrane epsin interactor 2; minus strand), NSMCE3 (NSE3 component of SMC5/6 complex; minus strand). Cytogenetic location: 15q13.1.
Variant type: single nucleotide variant.
Coding change: c.838G>T on transcript NM_138704.4 (MANE Select); coding-DNA position 838, G replaced by T.
Protein change: p.Ala280Ser; replaces alanine 280 with serine.
Molecular consequence: missense variant. On other transcripts: intron variant (5).
Genome position (GRCh38, 1-based): chr15:29,268,868, C>A on the plus strand (G>T on the coding strand, the complement: NSMCE3 is on the minus strand). VCF-style: chr15-29268868-C-A. GRCh37 (hg19) VCF-style: chr15-29561072-C-A.
Other names: c.-12-16390G>T (NM_001387217.1, NM_001387215.1, NM_001387216.1); c.277-16390G>T (NM_001387214.1, NM_015307.2); short protein forms A280S.
Identifiers: ClinVar variation 2077518 (VCV002077518.4), dbSNP rs2543791320, ClinGen allele CA391483376.